The following is an entry in ClinVar:

NM_001256789.3(CACNA1F):c.5338C>A (p.Leu1780Met)

Gene: CACNA1F (calcium voltage-gated channel subunit alpha1 F; minus strand). Cytogenetic location: Xp11.23.
Variant type: single nucleotide variant.
Coding change: c.5338C>A on transcript NM_001256789.3 (MANE Select); coding-DNA position 5338, C replaced by A.
Protein change: p.Leu1780Met; replaces leucine 1780 with methionine.
Molecular consequence: missense variant.
Genome position (GRCh38, 1-based): chrX:49,206,749, G>T on the plus strand (C>A on the coding strand, the complement: CACNA1F is on the minus strand). VCF-style: chrX-49206749-G-T. GRCh37 (hg19) VCF-style: chrX-49063210-G-T.
Other names: c.5176C>A, p.Leu1726Met (NM_001256790.3); c.5371C>A, p.Leu1791Met (NM_005183.4); short protein forms L1726M, L1780M, L1791M.
Identifiers: ClinVar variation 4713449 (VCV004713449.1).
Genomic context (GRCh38, chrX:49,206,749, plus strand): 5'-AGGCCCGTGGGGGCCCCTTGGATCCATCCCTGCTCTCACCTGCAGGTGTGGGGGGCAGCA[G>T]ACGGCGGCGTGGTACCAGGTGCCCATCCATGTATCTCTGAGCTCTGTGAGGTGGCAAAAG-3'
Protein context (NP_001243718.1, residues 1770-1790): MDGHLVPRRR[Leu1780Met]LPPTPAGRKP

ClinVar aggregate classification (germline): Uncertain significance (1 of 4 stars; one submission).

Submission:

Labcorp Genetics (formerly Invitae), Labcorp
Classification: Uncertain significance. Last evaluated: 2025-10-01. Review status: criteria provided, single submitter. Criteria: Invitae Variant Classification Sherloc (09022015). Collection method: clinical testing. Allele origin: germline.
Comment: This sequence change replaces leucine, which is neutral and non-polar, with methionine, which is neutral and non-polar, at codon 1791 of the CACNA1F protein (p.Leu1791Met). This variant is present in population databases (no rsID available, gnomAD 0.001%). This variant has not been reported in the literature in individuals affected with CACNA1F-related conditions. An algorithm developed to predict the effect of missense changes on protein structure and function (PolyPhen-2) suggests that this variant is likely to be disruptive. In summary, the available evidence is currently insufficient to determine the role of this variant in disease. Therefore, it has been classified as a Variant of Uncertain Significance.